The following is an entry in ClinVar:

NM_000836.4(GRIN2D):c.1629C>T (p.Asn543=)

Gene: GRIN2D (glutamate ionotropic receptor NMDA type subunit 2D; plus strand). Cytogenetic location: 19q13.33.
Variant type: single nucleotide variant.
Coding change: c.1629C>T on transcript NM_000836.4 (MANE Select); coding-DNA position 1629, C replaced by T.
Protein change: p.Asn543=; no amino-acid change (asparagine 543 retained).
Molecular consequence: synonymous variant.
Genome position (GRCh38, 1-based): chr19:48,416,049, C>T. VCF-style: chr19-48416049-C-T. GRCh37 (hg19) VCF-style: chr19-48919306-C-T.
Identifiers: ClinVar variation 1563012 (VCV001563012.32), dbSNP rs370269500, ClinGen allele CA9550562.

ClinVar aggregate classification (germline): Likely benign. Review status: criteria provided, multiple submitters, no conflicts (2 of 4 stars). 3 submissions from 3 submitters: Likely benign (3). Last evaluated 2024-11-20.

Allele frequency attached by ClinVar (database versions not stated): gnomAD 0.00006 and 0.00007; TOPMed 0.00006; gnomAD exomes 0.00010; ExAC 0.00011; ESP Exome Variant Server 0.00015.
gnomAD v4.1: 124 of 1,613,844 alleles (0.0077%); highest among the groups gnomAD compares: East Asian, 0.029%; no homozygotes.

Submissions (3):

Labcorp Genetics (formerly Invitae), Labcorp
Classification: Likely benign. Last evaluated: 2024-11-20. Review status: criteria provided, single submitter. Criteria: Invitae Variant Classification Sherloc (09022015). Collection method: clinical testing. Allele origin: germline.

Blueprint Genetics
Classification: Likely benign. Last evaluated: 2024-08-08. Review status: criteria provided, single submitter. Criteria: ACMG Guidelines, 2015. Collection method: clinical testing. Allele origin: germline.

CeGaT Center for Human Genetics Tuebingen
Classification: Likely benign. Last evaluated: 2022-03-01. Review status: criteria provided, single submitter. Criteria: CeGaT Center For Human Genetics Tuebingen Variant Classification Criteria Version 2. Collection method: clinical testing. Allele origin: germline. Affected: yes. Observed: 1 variant allele.
Comment: GRIN2D: BP4, BP7